The following is an entry in ClinVar:

ClinVar aggregate classification (germline): Conflicting classifications of pathogenicity. Review status: criteria provided, conflicting classifications (1 of 4 stars). 10 submissions from 10 submitters: Uncertain significance (1); Benign (3); Likely benign (3). 3 of the submissions do not count toward it. Last evaluated 2026-01-17.

Conditions:
VCL-related disorder. Also called: VCL-related condition.
Cardiovascular phenotype. Identifiers: MedGen CN230736.
Dilated cardiomyopathy 1W (CMD1W). Identifiers: Orphanet 154, MedGen C1969639, MONDO:0012667, OMIM 611407.

Allele frequency attached by ClinVar (database versions not stated): gnomAD 0.00016 and 0.00019; gnomAD exomes 0.00019 and 0.00057; 1000 Genomes Project 30x 0.00031; 1000 Genomes Project 0.00040; TOPMed 0.00052; ExAC 0.00061.
gnomAD v4.1: 312 of 1,614,022 alleles (0.019%); highest among the groups gnomAD compares: East Asian, 0.66%; 3 homozygotes.

Submissions (10):

Labcorp Genetics (formerly Invitae), Labcorp
Classification: Benign for Dilated cardiomyopathy 1W. Last evaluated: 2026-01-17. Review status: criteria provided, single submitter. Criteria: Invitae Variant Classification Sherloc (09022015). Collection method: clinical testing. Allele origin: germline.

Women's Health and Genetics/Laboratory Corporation of America, LabCorp
Classification: Benign. Last evaluated: 2025-01-17. Review status: criteria provided, single submitter. Criteria: LabCorp Variant Classification Summary - May 2015. Collection method: clinical testing. Allele origin: germline.

Blueprint Genetics
Classification: Likely benign. Last evaluated: 2024-04-29. Review status: criteria provided, single submitter. Criteria: ACMG Guidelines, 2015. Collection method: clinical testing. Allele origin: germline.

GeneDx
Classification: Likely benign. Last evaluated: 2021-01-11. Review status: criteria provided, single submitter. Criteria: GeneDx Variant Classification Process June 2021. Collection method: clinical testing. Allele origin: germline. Affected: yes.

Illumina Laboratory Services, Illumina
Classification: Uncertain significance for Dilated cardiomyopathy 1W. Last evaluated: 2018-01-13. Review status: criteria provided, single submitter. Criteria: ICSL Variant Classification Criteria 13 December 2019. Collection method: clinical testing. Allele origin: germline.

Ambry Genetics
Classification: Likely benign for Cardiovascular phenotype. Last evaluated: 2017-07-06. Review status: criteria provided, single submitter. Criteria: Ambry Variant Classification Scheme 2023. Collection method: clinical testing. Allele origin: germline.

Laboratory for Molecular Medicine, Mass General Brigham Personalized Medicine
Classification: Benign. Last evaluated: 2015-03-13. Review status: criteria provided, single submitter. Criteria: LMM Criteria. Collection method: clinical testing. Allele origin: germline. Observed: 4 variant alleles.
Comment: p.Leu572Leu in exon 12 of VCL: This variant is not expected to have clinical sig nificance because it has been identified in 0.9% (74/8622) of East Asian chromos omes by the Exome Aggregation Consortium (ExAC; dbSNP rs189781480).

PreventionGenetics, part of Exact Sciences
Classification: Benign for VCL-related condition. Last evaluated: 2024-08-27. Review status: no assertion criteria provided. Collection method: clinical testing. Allele origin: germline. Not counted in ClinVar's aggregate classification.
Comment: This variant is classified as benign based on ACMG/AMP sequence variant interpretation guidelines (Richards et al. 2015 PMID: 25741868, with internal and published modifications).

Clinical Genetics DNA and cytogenetics Diagnostics Lab, Erasmus MC, Erasmus Medical Center
Classification: Likely benign. Review status: no assertion criteria provided. Collection method: clinical testing. Allele origin: germline. Affected: yes. Study: VKGL Data-share Consensus. Not counted in ClinVar's aggregate classification.

Diagnostic Laboratory, Department of Genetics, University Medical Center Groningen
Classification: Likely benign. Review status: no assertion criteria provided. Collection method: clinical testing. Allele origin: germline. Affected: yes. Study: VKGL Data-share Consensus. Not counted in ClinVar's aggregate classification.

NM_014000.3(VCL):c.1716T>G (p.Leu572=)

Gene: VCL (vinculin; plus strand). Cytogenetic location: 10q22.2.
Variant type: single nucleotide variant.
Coding change: c.1716T>G on transcript NM_014000.3 (MANE Select); coding-DNA position 1716, T replaced by G.
Protein change: p.Leu572=; no amino-acid change (leucine 572 retained).
Molecular consequence: synonymous variant.
Genome position (GRCh38, 1-based): chr10:74,095,828, T>G. VCF-style: chr10-74095828-T-G. GRCh37 (hg19) VCF-style: chr10-75855586-T-G.
Other names: c.1716T>G, p.Leu572= (NM_003373.4).
Identifiers: ClinVar variation 45588 (VCV000045588.34), dbSNP rs189781480, ClinGen allele CA136718.